The following is an entry in ClinVar:

NM_001849.4(COL6A2):c.298C>T (p.His100Tyr)

Gene: COL6A2 (collagen type VI alpha 2 chain; plus strand). Cytogenetic location: 21q22.3.
Variant type: single nucleotide variant.
Coding change: c.298C>T on transcript NM_001849.4 (MANE Select); coding-DNA position 298, C replaced by T.
Protein change: p.His100Tyr; replaces histidine 100 with tyrosine.
Molecular consequence: missense variant.
Genome position (GRCh38, 1-based): chr21:46,112,161, C>T. VCF-style: chr21-46112161-C-T. GRCh37 (hg19) VCF-style: chr21-47532075-C-T.
Other names: c.298C>T, p.His100Tyr (NM_058174.3, NM_058175.3); short protein forms H100Y.
Identifiers: ClinVar variation 2877719 (VCV002877719.3), dbSNP rs1298833222, ClinGen allele CA410520615.

ClinVar aggregate classification (germline): Uncertain significance (1 of 4 stars; one submission).

Conditions:
Bethlem myopathy 1A. Also called: Bethlem myopathy 1; MYOPATHY, BENIGN CONGENITAL, WITH CONTRACTURES; Bethlem Muscular Dystrophy. Identifiers: Orphanet 610, MedGen CN029274, MONDO:0024530, OMIM 158810.

Allele frequency attached by ClinVar (database versions not stated): gnomAD exomes below 0.00001.
gnomAD v4.1: 1 of 1,613,042 alleles (0.000062%); highest among the groups gnomAD compares: Non-Finnish European, 0.000085%; no homozygotes.

Submission:

Labcorp Genetics (formerly Invitae), Labcorp
Classification: Uncertain significance for Bethlem myopathy 1A. Last evaluated: 2024-08-16. Review status: criteria provided, single submitter. Criteria: Invitae Variant Classification Sherloc (09022015). Collection method: clinical testing. Allele origin: germline.
Comment: This sequence change replaces histidine, which is basic and polar, with tyrosine, which is neutral and polar, at codon 100 of the COL6A2 protein (p.His100Tyr). This variant is present in population databases (no rsID available, gnomAD 0.0009%). This variant has not been reported in the literature in individuals affected with COL6A2-related conditions. Invitae Evidence Modeling of protein sequence and biophysical properties (such as structural, functional, and spatial information, amino acid conservation, physicochemical variation, residue mobility, and thermodynamic stability) indicates that this missense variant is expected to disrupt COL6A2 protein function with a positive predictive value of 80%. In summary, the available evidence is currently insufficient to determine the role of this variant in disease. Therefore, it has been classified as a Variant of Uncertain Significance.